The following is an entry in ClinVar:

NM_001385641.1(SAMD11):c.1598G>A (p.Ser533Asn)

Gene: SAMD11 (sterile alpha motif domain containing 11; plus strand). Cytogenetic location: 1p36.33.
Variant type: single nucleotide variant.
Coding change: c.1598G>A on transcript NM_001385641.1 (MANE Select); coding-DNA position 1598, G replaced by A.
Protein change: p.Ser533Asn; replaces serine 533 with asparagine.
Molecular consequence: missense variant.
Genome position (GRCh38, 1-based): chr1:942,603, G>A. VCF-style: chr1-942603-G-A. GRCh37 (hg19) VCF-style: chr1-877983-G-A.
Other names: c.1109G>A (NM_152486.2); c.1601G>A, p.Ser534Asn (NM_001385640.1); c.1109G>A, p.Ser370Asn (NM_152486.4); short protein forms S533N, S370N, S534N.
Identifiers: ClinVar variation 1507923 (VCV001507923.9), dbSNP rs1641854003, ClinGen allele CA337808215.

ClinVar aggregate classification (germline): Uncertain significance. Review status: criteria provided, multiple submitters, no conflicts (2 of 4 stars). 2 submissions from 2 submitters: Uncertain significance (2). Last evaluated 2025-10-23.

Allele frequency attached by ClinVar (database versions not stated): gnomAD 0.00001.

Submissions (2):

Ambry Genetics
Classification: Uncertain significance. Last evaluated: 2025-10-23. Review status: criteria provided, single submitter. Criteria: Ambry Variant Classification Scheme 2023. Collection method: clinical testing. Allele origin: germline.

Labcorp Genetics (formerly Invitae), Labcorp
Classification: Uncertain significance. Last evaluated: 2022-11-22. Review status: criteria provided, single submitter. Criteria: Invitae Variant Classification Sherloc (09022015). Collection method: clinical testing. Allele origin: germline.
Comment: This sequence change replaces serine, which is neutral and polar, with asparagine, which is neutral and polar, at codon 370 of the SAMD11 protein (p.Ser370Asn). In summary, the available evidence is currently insufficient to determine the role of this variant in disease. Therefore, it has been classified as a Variant of Uncertain Significance. Algorithms developed to predict the effect of missense changes on protein structure and function (SIFT, PolyPhen-2, Align-GVGD) all suggest that this variant is likely to be tolerated. ClinVar contains an entry for this variant (Variation ID: 1507923). This variant has not been reported in the literature in individuals affected with SAMD11-related conditions. This variant is not present in population databases (gnomAD no frequency).